The following is an entry in ClinVar:

ClinVar aggregate classification (germline): Uncertain significance (1 of 4 stars; one submission).

Submission:

Labcorp Genetics (formerly Invitae), Labcorp
Classification: Uncertain significance. Last evaluated: 2022-03-10. Review status: criteria provided, single submitter. Criteria: Invitae Variant Classification Sherloc (09022015). Collection method: clinical testing. Allele origin: germline.
Comment: In summary, the available evidence is currently insufficient to determine the role of this variant in disease. Therefore, it has been classified as a Variant of Uncertain Significance. This variant has not been reported in the literature in individuals affected with DIAPH3-related conditions. The frequency data for this variant in the population databases is considered unreliable, as metrics indicate poor data quality at this position in the gnomAD database. This sequence change creates a premature translational stop signal (p.Ile320Leufs*20) in the DIAPH3 gene. It is expected to result in an absent or disrupted protein product. However, the current clinical and genetic evidence is not sufficient to establish whether loss-of-function variants in DIAPH3 cause disease.

NM_001042517.2(DIAPH3):c.958del (p.Ile320fs)

Gene: DIAPH3 (diaphanous related formin 3; minus strand). Cytogenetic location: 13q21.2.
Variant type: Deletion.
Coding change: c.958del on transcript NM_001042517.2 (MANE Select); coding-DNA position 958, one base deleted (A; older notation c.958delA).
Protein change: p.Ile320fs; shifts the reading frame from isoleucine 320.
Molecular consequence: frameshift variant.
Genome position (GRCh38, 1-based): chr13:60,008,600, T deleted on the plus strand (A on the coding strand, the reverse complement: DIAPH3 is on the minus strand); the first of 9 consecutive T bases (chr13:60,008,600-60,008,608); deleting any one gives the same sequence. VCF-style (leftmost placement, unchanged base first): chr13-60008599-AT-A. GRCh37 (hg19) VCF-style: chr13-60582733-AT-A.
Other names: c.925del, p.Ile309fs (NM_001258366.2); c.820del, p.Ile274fs (NM_001258367.2); c.748del, p.Ile250fs (NM_001258368.2); c.958del, p.Ile320fs (NM_001258369.2); c.169del, p.Ile57fs (NM_001258370.2, NM_030932.4); short protein forms I57fs, I250fs, I274fs, I309fs, I320fs.
Identifiers: ClinVar variation 1348803 (VCV001348803.6), dbSNP rs755069320, ClinGen allele CA6996841.
Genomic context (GRCh38, chr13:60,008,599, plus strand): 5'-CTTACTTGCAGTTGAACTGAATTGTGCCGGAGGCCTTCCACAATACAAAAAAATCTGTCA[AT>A]TTTTTTTTCTTCACCAGCTGAAGTTAAAGCTTCTAAAACTTCTTCAAGGCTATTGGAAAA-3'